The following is an entry in ClinVar:

ClinVar aggregate classification (germline): Likely benign. Review status: criteria provided, multiple submitters, no conflicts (2 of 4 stars). 3 submissions from 3 submitters: Likely benign (3). Last evaluated 2024-03-18.

Conditions:
RYR1-related disorder. Also called: RYR1-related condition; RYR1-related disorders. Identifiers: MedGen CN239331.
Malignant hyperthermia, susceptibility to, 1 (MHS1). Also called: Malignant hyperthermia suceptibility 1; Anesthesia related hyperthermia; Malignant hyperpyrexia; Fulminating hyperpyrexia; Pharmacogenic myopathy; RYR1-Related Malignant Hyperthermia Susceptibility. Identifiers: Orphanet 423, MedGen C2930980, MONDO:0007783, OMIM 145600.

Allele frequency attached by ClinVar (database versions not stated): TOPMed below 0.00001.
gnomAD v4.1: 5 of 1,613,984 alleles (0.00031%); highest among the groups gnomAD compares: East Asian, 0.0022%; no homozygotes.

Submissions (3):

Labcorp Genetics (formerly Invitae), Labcorp
Classification: Likely benign for RYR1-related disorder. Last evaluated: 2024-03-18. Review status: criteria provided, single submitter. Criteria: Invitae Variant Classification Sherloc (09022015). Collection method: clinical testing. Allele origin: germline.

All of Us Research Program, National Institutes of Health
Classification: Likely benign for Malignant hyperthermia, susceptibility to, 1. Last evaluated: 2023-02-15. Review status: criteria provided, single submitter. Criteria: ACMG Guidelines, 2015. Collection method: clinical testing. Allele origin: germline. Inheritance: Autosomal dominant inheritance. Observed: 1 variant allele, 1 heterozygote.
Comment: This study involves interpretation of variants in research participants for the purpose of population health screening. Participant phenotype was not available at the time of variant classification. Additional details can be found in publication PMID: 35346344, PMCID: PMC8962531

Color Diagnostics, LLC DBA Color Health
Classification: Likely benign for Malignant hyperthermia, susceptibility to, 1. Last evaluated: 2022-11-06. Review status: criteria provided, single submitter. Criteria: ACMG Guidelines, 2015. Collection method: clinical testing. Allele origin: germline.

NM_000540.3(RYR1):c.10827C>T (p.Thr3609=)

Gene: RYR1 (ryanodine receptor 1; plus strand). Cytogenetic location: 19q13.2.
Variant type: single nucleotide variant.
Coding change: c.10827C>T on transcript NM_000540.3 (MANE Select); coding-DNA position 10827, C replaced by T.
Protein change: p.Thr3609=; no amino-acid change (threonine 3609 retained).
Molecular consequence: synonymous variant.
Genome position (GRCh38, 1-based): chr19:38,528,308, C>T. VCF-style: chr19-38528308-C-T. GRCh37 (hg19) VCF-style: chr19-39018948-C-T.
Other names: c.10812C>T, p.Thr3604= (NM_001042723.2).
Identifiers: ClinVar variation 1584485 (VCV001584485.9), dbSNP rs1259807854, ClinGen allele CA507354675.